The following is an entry in ClinVar:

NM_000702.4(ATP1A2):c.179G>A (p.Gly60Asp)

Gene: ATP1A2 (ATPase Na+/K+ transporting subunit alpha 2; plus strand). Cytogenetic location: 1q23.2.
Variant type: single nucleotide variant.
Coding change: c.179G>A on transcript NM_000702.4 (MANE Select); coding-DNA position 179, G replaced by A.
Protein change: p.Gly60Asp; replaces glycine 60 with aspartic acid.
Molecular consequence: missense variant.
Genome position (GRCh38, 1-based): chr1:160,123,214, G>A. VCF-style: chr1-160123214-G-A. GRCh37 (hg19) VCF-style: chr1-160093004-G-A.
Other names: short protein forms G60D.
Identifiers: ClinVar variation 2956280 (VCV002956280.3), dbSNP rs1210388068, ClinGen allele CA343230242.

ClinVar aggregate classification (germline): Uncertain significance (1 of 4 stars; one submission).

Conditions:
Familial hemiplegic migraine. Identifiers: MedGen C0338484, MONDO:0000700.

Allele frequency attached by ClinVar (database versions not stated): gnomAD exomes below 0.00001; gnomAD 0.00001.
gnomAD v4.1: 2 of 1,613,988 alleles (0.00012%); highest among the groups gnomAD compares: South Asian, 0.0011%; no homozygotes.

Submission:

Labcorp Genetics (formerly Invitae), Labcorp
Classification: Uncertain significance for Familial hemiplegic migraine. Last evaluated: 2023-10-19. Review status: criteria provided, single submitter. Criteria: Invitae Variant Classification Sherloc (09022015). Collection method: clinical testing. Allele origin: germline.
Comment: This sequence change replaces glycine, which is neutral and non-polar, with aspartic acid, which is acidic and polar, at codon 60 of the ATP1A2 protein (p.Gly60Asp). This variant is present in population databases (no rsID available, gnomAD 0.0009%). This variant has not been reported in the literature in individuals affected with ATP1A2-related conditions. An algorithm developed to predict the effect of missense changes on protein structure and function (PolyPhen-2) suggests that this variant is likely to be disruptive. In summary, the available evidence is currently insufficient to determine the role of this variant in disease. Therefore, it has been classified as a Variant of Uncertain Significance.